The following is an entry in ClinVar:

NM_001042432.2(CLN3):c.677+8G>A

Gene: CLN3 (CLN3 lysosomal/endosomal transmembrane protein, battenin; minus strand). Cytogenetic location: 16p12.1.
Variant type: single nucleotide variant.
Coding change: c.677+8G>A on transcript NM_001042432.2 (MANE Select); 8 bases into the intron after coding-DNA position 677, G replaced by A.
Molecular consequence: intron variant.
Genome position (GRCh38, 1-based): chr16:28,486,339, C>T on the plus strand (G>A on the coding strand, the complement: CLN3 is on the minus strand). VCF-style: chr16-28486339-C-T. GRCh37 (hg19) VCF-style: chr16-28497660-C-T.
Other names: p.?; c.443+8G>A (NM_001286109.2); c.605+8G>A (NM_001286104.2); c.377+8G>A (NM_001286105.2); c.515+8G>A (NM_001286110.2); c.677+8G>A (NM_000086.2).
Identifiers: ClinVar variation 318722 (VCV000318722.26), dbSNP rs368568189, ClinGen allele CA7980867.

ClinVar aggregate classification (germline): Conflicting classifications of pathogenicity. Review status: criteria provided, conflicting classifications (1 of 4 stars). 10 submissions from 10 submitters: Uncertain significance (1); Benign (1); Likely benign (5). 3 of the submissions do not count toward it. Last evaluated 2026-01-06.

Conditions:
Neuronal ceroid lipofuscinosis. Also called: Neuronal Ceroid Lipofuscinoses. Identifiers: Orphanet 216, Orphanet 79263, MedGen C0027877, MONDO:0016295. Disease mechanism: loss of function.
Neuronal ceroid lipofuscinosis 3 (CLN3). Identifiers: Orphanet 228346, MedGen C0751383, MONDO:0008767, OMIM 204200.

Allele frequency attached by ClinVar (database versions not stated): TOPMed 0.00015; ESP Exome Variant Server 0.00023; gnomAD exomes 0.00030 and 0.00011; ExAC 0.00007; gnomAD 0.00014 and 0.00015.
gnomAD v4.1: 468 of 1,611,740 alleles (0.029%); highest among the groups gnomAD compares: Non-Finnish European, 0.037%; 2 homozygotes.

Submissions (10):

Labcorp Genetics (formerly Invitae), Labcorp
Classification: Likely benign for Neuronal ceroid lipofuscinosis. Last evaluated: 2026-01-06. Review status: criteria provided, single submitter. Criteria: Invitae Variant Classification Sherloc (09022015). Collection method: clinical testing. Allele origin: germline.

Mayo Clinic Laboratories, Mayo Clinic
Classification: Likely benign. Last evaluated: 2025-12-14. Review status: criteria provided, single submitter. Criteria: ACMG Guidelines, 2015. Collection method: clinical testing. Allele origin: germline. Observed: 1 variant allele.
Comment: BP4, BP7

Blueprint Genetics
Classification: Likely benign. Last evaluated: 2024-10-15. Review status: criteria provided, single submitter. Criteria: ACMG Guidelines, 2015. Collection method: clinical testing. Allele origin: germline.

ARUP Laboratories, Molecular Genetics and Genomics, ARUP Laboratories
Classification: Likely benign for Neuronal ceroid lipofuscinosis 3. Last evaluated: 2024-02-12. Review status: criteria provided, single submitter. Criteria: ARUP Molecular Germline Variant Investigation Process 2024. Collection method: clinical testing. Allele origin: germline.

Genome-Nilou Lab
Classification: Likely benign for Neuronal ceroid lipofuscinosis 3. Last evaluated: 2021-08-10. Review status: criteria provided, single submitter. Criteria: ACMG Guidelines, 2015. Collection method: clinical testing. Allele origin: germline. Affected: no.

Illumina Laboratory Services, Illumina
Classification: Uncertain significance for Neuronal ceroid lipofuscinosis 3. Last evaluated: 2018-01-13. Review status: criteria provided, single submitter. Criteria: ICSL Variant Classification Criteria 13 December 2019. Collection method: clinical testing. Allele origin: germline.

GeneDx
Classification: Benign. Last evaluated: 2015-07-12. Review status: criteria provided, single submitter. Criteria: GeneDx Variant Classification (06012015). Collection method: clinical testing. Allele origin: germline. Affected: yes.
Comment: This variant is considered likely benign or benign based on one or more of the following criteria: it is a conservative change, it occurs at a poorly conserved position in the protein, it is predicted to be benign by multiple in silico algorithms, and/or has population frequency not consistent with disease.

Clinical Genetics DNA and cytogenetics Diagnostics Lab, Erasmus MC, Erasmus Medical Center
Classification: Likely benign. Review status: no assertion criteria provided. Collection method: clinical testing. Allele origin: germline. Affected: yes. Study: VKGL Data-share Consensus. Not counted in ClinVar's aggregate classification.

Genome Diagnostics Laboratory, Amsterdam University Medical Center
Classification: Likely benign. Review status: no assertion criteria provided. Collection method: clinical testing. Allele origin: germline. Affected: yes. Study: VKGL Data-share Consensus. Not counted in ClinVar's aggregate classification.

Genome Diagnostics Laboratory, University Medical Center Utrecht
Classification: Likely benign. Review status: no assertion criteria provided. Collection method: clinical testing. Allele origin: germline. Affected: yes. Study: VKGL Data-share Consensus. Not counted in ClinVar's aggregate classification.